The following is an entry in ClinVar:

ClinVar aggregate classification (germline): Uncertain significance (1 of 4 stars; one submission).

Conditions:
Hajdu-Cheney syndrome (HJCYS). Also called: Acroosteolysis dominant type; ACROOSTEOLYSIS WITH OSTEOPOROSIS AND CHANGES IN SKULL AND MANDIBLE; SERPENTINE FIBULA-POLYCYSTIC KIDNEY SYNDROME. Identifiers: Orphanet 955, MedGen C0917715, MONDO:0007057, OMIM 102500.

Submission:

Labcorp Genetics (formerly Invitae), Labcorp
Classification: Uncertain significance for Hajdu-Cheney syndrome. Last evaluated: 2022-08-09. Review status: criteria provided, single submitter. Criteria: Invitae Variant Classification Sherloc (09022015). Collection method: clinical testing. Allele origin: germline.
Comment: In summary, the available evidence is currently insufficient to determine the role of this variant in disease. Therefore, it has been classified as a Variant of Uncertain Significance. Advanced modeling of protein sequence and biophysical properties (such as structural, functional, and spatial information, amino acid conservation, physicochemical variation, residue mobility, and thermodynamic stability) performed at Invitae indicates that this missense variant is not expected to disrupt NOTCH2 protein function. ClinVar contains an entry for this variant (Variation ID: 1354168). This variant has not been reported in the literature in individuals affected with NOTCH2-related conditions. This variant is not present in population databases (gnomAD no frequency). This sequence change replaces lysine, which is basic and polar, with glutamic acid, which is acidic and polar, at codon 512 of the NOTCH2 protein (p.Lys512Glu).

NM_024408.4(NOTCH2):c.1534A>G (p.Lys512Glu)

Gene: NOTCH2 (notch receptor 2; minus strand). Cytogenetic location: 1p12.
Variant type: single nucleotide variant.
Coding change: c.1534A>G on transcript NM_024408.4 (MANE Select); coding-DNA position 1534, A replaced by G.
Protein change: p.Lys512Glu; replaces lysine 512 with glutamic acid.
Molecular consequence: missense variant.
Genome position (GRCh38, 1-based): chr1:119,966,409, T>C on the plus strand (A>G on the coding strand, the complement: NOTCH2 is on the minus strand). VCF-style: chr1-119966409-T-C. GRCh37 (hg19) VCF-style: chr1-120509032-T-C.
Other names: c.1534A>G, p.Lys512Glu (NM_001200001.2); short protein forms K512E.
Identifiers: ClinVar variation 1354168 (VCV001354168.6), dbSNP rs2101141596, ClinGen allele CA341876276.
Genomic context (GRCh38, chr1:119,966,409, plus strand): 5'-AAACAGGGCCAGGTCGTGGGCACTTACCAGGAGGACACAGGCACTGGAAACGATTGACTT[T>C]ATCCACACACTGCCCATTGTTCACACAAGGGTTGCTCTGACATTCATTTATTTCTAATTC-3'
Protein context (NP_077719.2, residues 502-522): PCVNNGQCVD[Lys512Glu]VNRFQCLCPP